The following is an entry in ClinVar:

NM_130837.3(OPA1):c.2452A>G (p.Ile818Val)

Gene: OPA1 (OPA1 mitochondrial dynamin like GTPase; plus strand). Cytogenetic location: 3q29.
Variant type: single nucleotide variant.
Coding change: c.2452A>G on transcript NM_130837.3 (MANE Select); coding-DNA position 2452, A replaced by G.
Protein change: p.Ile818Val; replaces isoleucine 818 with valine.
Molecular consequence: missense variant.
Genome position (GRCh38, 1-based): chr3:193,659,493, A>G. VCF-style: chr3-193659493-A-G. GRCh37 (hg19) VCF-style: chr3-193377282-A-G.
Other names: c.2287A>G (NM_015560.2); c.1918A>G, p.Ile640Val (NM_001354663.2); c.1915A>G, p.Ile639Val (NM_001354664.2); c.2287A>G, p.Ile763Val (NM_015560.3); c.2179A>G, p.Ile727Val (NM_130831.3); c.2233A>G, p.Ile745Val (NM_130832.3); c.2290A>G, p.Ile764Val (NM_130833.3); c.2341A>G, p.Ile781Val (NM_130834.3); and 3 more; short protein forms I639V, I782V, I640V, I764V, I781V, I818V, I745V, I763V.
Identifiers: ClinVar variation 1447845 (VCV001447845.12), dbSNP rs771263962, ClinGen allele CA2759669.

ClinVar aggregate classification (germline): Uncertain significance. Review status: criteria provided, multiple submitters, no conflicts (2 of 4 stars). 5 submissions from 5 submitters: Uncertain significance (5). Last evaluated 2026-06-22.

Conditions:
Inborn genetic diseases. Identifiers: MedGen C0950123, MeSH D030342.
OPA1-related disorder. Also called: OPA1-related disorders; OPA1-related condition.

Allele frequency attached by ClinVar (database versions not stated): gnomAD exomes below 0.00001; ExAC 0.00001; gnomAD 0.00001; TOPMed 0.00001.
gnomAD v4.1: 21 of 1,610,380 alleles (0.0013%); highest among the groups gnomAD compares: Non-Finnish European, 0.0017%; no homozygotes.

Submissions (5):

PreventionGenetics, part of Exact Sciences
Classification: Uncertain significance for OPA1-related condition. Last evaluated: 2026-06-22. Review status: criteria provided, single submitter. Criteria: ACMG Guidelines, 2015. Collection method: clinical testing. Allele origin: germline.
Comment: The OPA1 c.2452A>G variant is predicted to result in the amino acid substitution p.Ile818Val. To our knowledge, this variant has not been reported in the literature. This variant is reported in 0.00090% of alleles in individuals of European (Non-Finnish) descent in gnomAD. At this time, the clinical significance of this variant is uncertain due to the absence of conclusive functional and genetic evidence.

Women's Health and Genetics/Laboratory Corporation of America, LabCorp
Classification: Uncertain significance. Last evaluated: 2025-09-04. Review status: criteria provided, single submitter. Criteria: LabCorp Variant Classification Summary - May 2015. Collection method: clinical testing. Allele origin: germline.
Comment: Variant summary: OPA1 c.2287A>G (p.Ile763Val) results in a conservative amino acid change in the encoded protein sequence. Algorithms developed to predict the effect of missense changes on protein structure and function are either unavailable or do not agree on the potential impact of this missense change. The variant allele was found at a frequency of 4.1e-06 in 246754 control chromosomes. The available data on variant occurrences in the general population are insufficient to allow any conclusion about variant significance. To our knowledge, no occurrence of c.2287A>G in individuals affected with OPA1-related conditions and no experimental evidence demonstrating its impact on protein function have been reported. ClinVar contains an entry for this variant (Variation ID: 1447845). Based on the evidence outlined above, the variant was classified as uncertain significance.

Ambry Genetics
Classification: Uncertain significance for Inborn genetic diseases. Last evaluated: 2024-12-04. Review status: criteria provided, single submitter. Criteria: Ambry Variant Classification Scheme 2023. Collection method: clinical testing. Allele origin: germline.

GeneDx
Classification: Uncertain significance. Last evaluated: 2024-10-31. Review status: criteria provided, single submitter. Criteria: GeneDx Variant Classification Process June 2021. Collection method: clinical testing. Allele origin: germline. Affected: yes.
Comment: Not observed at significant frequency in large population cohorts (gnomAD); In silico analysis indicates that this missense variant does not alter protein structure/function; Has not been previously published as pathogenic or benign to our knowledge

Labcorp Genetics (formerly Invitae), Labcorp
Classification: Uncertain significance. Last evaluated: 2024-10-17. Review status: criteria provided, single submitter. Criteria: Invitae Variant Classification Sherloc (09022015). Collection method: clinical testing. Allele origin: germline.
Comment: This sequence change replaces isoleucine, which is neutral and non-polar, with valine, which is neutral and non-polar, at codon 763 of the OPA1 protein (p.Ile763Val). This variant is present in population databases (rs771263962, gnomAD 0.0009%). This variant has not been reported in the literature in individuals affected with OPA1-related conditions. ClinVar contains an entry for this variant (Variation ID: 1447845). Invitae Evidence Modeling of protein sequence and biophysical properties (such as structural, functional, and spatial information, amino acid conservation, physicochemical variation, residue mobility, and thermodynamic stability) indicates that this missense variant is not expected to disrupt OPA1 protein function with a negative predictive value of 80%. In summary, the available evidence is currently insufficient to determine the role of this variant in disease. Therefore, it has been classified as a Variant of Uncertain Significance.